The following is an entry in ClinVar:

NM_006734.4(HIVEP2):c.4105G>A (p.Val1369Ile)

Gene: HIVEP2 (HIVEP zinc finger 2; minus strand). Cytogenetic location: 6q24.2.
Variant type: single nucleotide variant.
Coding change: c.4105G>A on transcript NM_006734.4 (MANE Select); coding-DNA position 4105, G replaced by A.
Protein change: p.Val1369Ile; replaces valine 1369 with isoleucine.
Molecular consequence: missense variant.
Genome position (GRCh38, 1-based): chr6:142,770,634, C>T on the plus strand (G>A on the coding strand, the complement: HIVEP2 is on the minus strand). VCF-style: chr6-142770634-C-T. GRCh37 (hg19) VCF-style: chr6-143091771-C-T.
Other names: c.4105G>A, p.Val1369Ile (NM_001438449.1, NM_001438450.1, NM_001438451.1); short protein forms V1369I.
Identifiers: ClinVar variation 4881199 (VCV004881199.2).

ClinVar aggregate classification (germline): Uncertain significance (1 of 4 stars; one submission).

gnomAD v4.1: 1 of 1,614,220 alleles (0.000062%); no homozygotes.

Submission:

Dasa
Classification: Uncertain significance. Last evaluated: 2025-05-07. Review status: criteria provided, single submitter. Criteria: DASA Assertion Criteria. Collection method: clinical testing. Allele origin: germline.
Comment: NM_006734.4(HIVEP2):c.4105G>A (p.Val1369Ile) is a missense variant that results in the substitution of valine with isoleucine. This variant is rare in population databases. Computational prediction algorithms are consistent with a benign effect. The currently available literature and clinical evidence are not sufficient to establish a definitive association between this variant and the reported condition. Therefore, this variant is classified as a variant of uncertain significance.